The following is an entry in ClinVar:

ClinVar aggregate classification (germline): Pathogenic (1 of 4 stars; one submission).

Conditions:
Walker-Warburg congenital muscular dystrophy. Also called: Muscular dystrophy-dystroglycanopathy, type A; Walker-Warburg syndrome. Identifiers: Orphanet 899, MedGen C0265221, MONDO:0000171.

Submission:

Labcorp Genetics (formerly Invitae), Labcorp
Classification: Pathogenic for Walker-Warburg congenital muscular dystrophy. Last evaluated: 2025-07-02. Review status: criteria provided, single submitter. Criteria: Invitae Variant Classification Sherloc (09022015). Collection method: clinical testing. Allele origin: germline.
Comment: This sequence change creates a premature translational stop signal (p.Leu333*) in the FKTN gene. It is expected to result in an absent or disrupted protein product. Loss-of-function variants in FKTN are known to be pathogenic (PMID: 17044012, 17878207, 18752264). This variant is not present in population databases (gnomAD no frequency). This variant has not been reported in the literature in individuals affected with FKTN-related conditions. For these reasons, this variant has been classified as Pathogenic.

Literature cited by the submitters: PubMed 17044012; PubMed 17878207; PubMed 18752264.

NM_001079802.2(FKTN):c.998T>A (p.Leu333Ter)

Gene: FKTN (fukutin; plus strand). Cytogenetic location: 9q31.2.
Variant type: single nucleotide variant.
Coding change: c.998T>A on transcript NM_001079802.2 (MANE Select); coding-DNA position 998, T replaced by A.
Protein change: p.Leu333Ter; replaces leucine 333 with a stop codon.
Molecular consequence: nonsense. On other transcripts: non-coding transcript variant (1).
Genome position (GRCh38, 1-based): chr9:105,618,046, T>A. VCF-style: chr9-105618046-T-A. GRCh37 (hg19) VCF-style: chr9-108380327-T-A.
Other names: c.998T>A, p.Leu333Ter (NM_001198963.2, NM_001351496.2, NM_001351498.2 and 1 more transcripts); c.929T>A, p.Leu310Ter (NM_001351497.2); c.602T>A, p.Leu201Ter (NM_001351499.2, NM_001351500.2, NM_001351501.2 and 1 more transcripts); short protein forms L201*, L310*, L333*.
Identifiers: ClinVar variation 4722511 (VCV004722511.1).